The following is an entry in ClinVar:

ClinVar aggregate classification (germline): Uncertain significance (1 of 4 stars; one submission).

Submission:

CeGaT Center for Human Genetics Tuebingen
Classification: Uncertain significance. Last evaluated: 2024-01-01. Review status: criteria provided, single submitter. Criteria: CeGaT Center For Human Genetics Tuebingen Variant Classification Criteria Version 2. Collection method: clinical testing. Allele origin: germline. Affected: yes. Observed: 1 variant allele.
Comment: TNNT2: PM2

NM_001276345.2(TNNT2):c.97+1G>A

Gene: TNNT2 (troponin T2, cardiac type; minus strand). Cytogenetic location: 1q32.1.
Variant type: single nucleotide variant.
Coding change: c.97+1G>A on transcript NM_001276345.2 (MANE Select); the canonical splice donor site of the intron after coding-DNA position 97, G replaced by A.
Molecular consequence: splice donor variant. On other transcripts: intron variant (9).
Genome position (GRCh38, 1-based): chr1:201,369,815, C>T on the plus strand (G>A on the coding strand, the complement: TNNT2 is on the minus strand). VCF-style: chr1-201369815-C-T. GRCh37 (hg19) VCF-style: chr1-201338943-C-T.
Other names: c.68-1588G>A (NM_001406727.1, NM_001406724.1, NM_001406725.1 and 4 more transcripts); c.53-1588G>A (NM_001001432.3, NM_001406728.1); c.97+1G>A (NM_001276346.2, NM_000364.4, NM_001406723.1).
Identifiers: ClinVar variation 3027060 (VCV003027060.22), dbSNP rs1660343807, ClinGen allele CA344207415.